The following is an entry in ClinVar:

NM_004211.5(SLC6A5):c.*2_*9dup (p.Ter798=)

Gene: SLC6A5 (solute carrier family 6 member 5; plus strand). Cytogenetic location: 11p15.1.
Variant type: Duplication.
Coding change: c.*2_*9dup on transcript NM_004211.5 (MANE Select); 2 bases downstream of the stop codon through 9 bases downstream of the stop codon, 8 bases duplicated (CCAGTGGT; older notation c.*2_*9dupCCAGTGGT).
Protein change: p.Ter798=.
Molecular consequence: no sequence alteration.
Genome position (GRCh38, 1-based): chr11:20,654,870-20,654,877, CCAGTGGT duplicated; duplicating any 8 consecutive bases within chr11:20,654,868-20,654,877 gives the same sequence; the c. name uses the placement nearest the transcript's 3' end. VCF-style (leftmost placement, unchanged base first): chr11-20654867-A-AGTCCAGTG. GRCh37 (hg19) VCF-style: chr11-20676413-A-AGTCCAGTG.
Other names: c.*2_*9dup, p.Ter564= (NM_001318369.2).
Identifiers: ClinVar variation 1511947 (VCV001511947.5), dbSNP rs763561739, ClinGen allele CA5921783.

ClinVar aggregate classification (germline): Uncertain significance (1 of 4 stars; one submission).

Conditions:
Hyperekplexia 3 (HKPX3). Also called: HYPEREKPLEXIA 3, AUTOSOMAL RECESSIVE; HYPEREKPLEXIA 3, AUTOSOMAL DOMINANT. Identifiers: Orphanet 3197, MedGen C3553288, MONDO:0013827, OMIM 614618.

Submission:

Labcorp Genetics (formerly Invitae), Labcorp
Classification: Uncertain significance for Hyperekplexia 3. Last evaluated: 2024-08-30. Review status: criteria provided, single submitter. Criteria: Invitae Variant Classification Sherloc (09022015). Collection method: clinical testing. Allele origin: germline.
Comment: This variant occurs in a non-coding region of the SLC6A5 gene. It does not change the encoded amino acid sequence of the SLC6A5 protein. This variant is present in population databases (rs763561739, gnomAD 0.004%). This variant has not been reported in the literature in individuals affected with SLC6A5-related conditions. ClinVar contains an entry for this variant (Variation ID: 1511947). In summary, the available evidence is currently insufficient to determine the role of this variant in disease. Therefore, it has been classified as a Variant of Uncertain Significance.